The following is an entry in ClinVar:

NM_003900.5(SQSTM1):c.434G>C (p.Cys145Ser)

Gene: SQSTM1 (sequestosome 1; plus strand). Cytogenetic location: 5q35.3.
Variant type: single nucleotide variant.
Coding change: c.434G>C on transcript NM_003900.5 (MANE Select); coding-DNA position 434, G replaced by C.
Protein change: p.Cys145Ser; replaces cysteine 145 with serine.
Molecular consequence: missense variant.
Genome position (GRCh38, 1-based): chr5:179,823,990, G>C. VCF-style: chr5-179823990-G-C. GRCh37 (hg19) VCF-style: chr5-179250990-G-C.
Other names: c.182G>C, p.Cys61Ser (NM_001142298.2, NM_001142299.2); short protein forms C61S, C145S.
Identifiers: ClinVar variation 2926419 (VCV002926419.3), dbSNP rs747589923, ClinGen allele CA3600508.

ClinVar aggregate classification (germline): Uncertain significance (1 of 4 stars; one submission).

Conditions:
Frontotemporal dementia and/or amyotrophic lateral sclerosis 1 (FTDALS1). Also called: C9orf72 Frontotemporal Dementia and/or Amyotrophic Lateral Sclerosis; Frontotemporal dementia with motor neuron disease 1. Identifiers: Orphanet 275872, MedGen C5779877, MONDO:0007105, OMIM 105550.
Paget disease of bone 2, early-onset (PDB2). Also called: Paget disease of bone 2. Identifiers: MedGen C4085251, MONDO:0011183, OMIM 602080.

Allele frequency attached by ClinVar (database versions not stated): ExAC 0.00001; gnomAD exomes 0.00001.
gnomAD v4.1: 5 of 1,614,068 alleles (0.00031%); highest among the groups gnomAD compares: Admixed American, 0.0083%; no homozygotes.

Submission:

Labcorp Genetics (formerly Invitae), Labcorp
Classification: Uncertain significance for Paget disease of bone 2, early-onset; Frontotemporal dementia and/or amyotrophic lateral sclerosis 1. Last evaluated: 2025-08-29. Review status: criteria provided, single submitter. Criteria: Invitae Variant Classification Sherloc (09022015). Collection method: clinical testing. Allele origin: germline.
Comment: This sequence change replaces cysteine, which is neutral and slightly polar, with serine, which is neutral and polar, at codon 145 of the SQSTM1 protein (p.Cys145Ser). This variant is present in population databases (rs747589923, gnomAD 0.01%). This variant has not been reported in the literature in individuals affected with SQSTM1-related conditions. ClinVar contains an entry for this variant (Variation ID: 2926419). Invitae Evidence Modeling of protein sequence and biophysical properties (such as structural, functional, and spatial information, amino acid conservation, physicochemical variation, residue mobility, and thermodynamic stability) indicates that this missense variant is expected to disrupt SQSTM1 protein function with a positive predictive value of 80%. In summary, the available evidence is currently insufficient to determine the role of this variant in disease. Therefore, it has been classified as a Variant of Uncertain Significance.